The following is an entry in ClinVar:

NM_053025.4(MYLK):c.2189T>G (p.Val730Gly)

Gene: MYLK (myosin light chain kinase; minus strand). Cytogenetic location: 3q21.1.
Variant type: single nucleotide variant.
Coding change: c.2189T>G on transcript NM_053025.4 (MANE Select); coding-DNA position 2189, T replaced by G.
Protein change: p.Val730Gly; replaces valine 730 with glycine.
Molecular consequence: missense variant.
Genome position (GRCh38, 1-based): chr3:123,707,955, A>C on the plus strand (T>G on the coding strand, the complement: MYLK is on the minus strand). VCF-style: chr3-123707955-A-C. GRCh37 (hg19) VCF-style: chr3-123426802-A-C.
Other names: c.1661T>G, p.Val554Gly (NM_001321309.2); c.1982T>G, p.Val661Gly (NM_053026.4, NM_053028.4); c.2189T>G, p.Val730Gly (NM_053027.4); short protein forms V554G, V661G, V730G.
Identifiers: ClinVar variation 3297610 (VCV003297610.1).

ClinVar aggregate classification (germline): Uncertain significance (1 of 4 stars; one submission).

Conditions:
Familial thoracic aortic aneurysm and aortic dissection (TAAD). Also called: Thoracic aortic aneurysms and dissections. Identifiers: Orphanet 91387, MedGen C4707243, MONDO:0019625.

gnomAD v4.1: 1 of 1,614,170 alleles (0.000062%); highest among the groups gnomAD compares: Non-Finnish European, 0.000085%; no homozygotes.

Submission:

Ambry Genetics
Classification: Uncertain significance for Familial thoracic aortic aneurysm and aortic dissection. Last evaluated: 2024-05-22. Review status: criteria provided, single submitter. Criteria: Ambry Variant Classification Scheme 2023. Collection method: clinical testing. Allele origin: germline.
Comment: The p.V730G variant (also known as c.2189T>G), located in coding exon 13 of the MYLK gene, results from a T to G substitution at nucleotide position 2189. The valine at codon 730 is replaced by glycine, an amino acid with dissimilar properties. This amino acid position is conserved. In addition, the in silico prediction for this alteration is inconclusive. Based on the available evidence, the clinical significance of this variant remains unclear.